The following is an entry in ClinVar:

ClinVar aggregate classification (germline): Pathogenic/Likely pathogenic. Review status: criteria provided, multiple submitters, no conflicts (2 of 4 stars). 5 submissions from 5 submitters: Pathogenic (1); Likely pathogenic (4). Last evaluated 2024-05-10.

Conditions:
Isovaleryl-CoA dehydrogenase deficiency (IVA). Also called: Classic Isovaleric Acidemia; ISOVALERIC ACID CoA DEHYDROGENASE DEFICIENCY; Isovaleric acidemia; IVD DEFICIENCY. Identifiers: Orphanet 33, MedGen C0268575, MONDO:0009475, OMIM 243500.

Submissions (5):

Fulgent Genetics
Classification: Likely pathogenic for Isovaleryl-CoA dehydrogenase deficiency. Last evaluated: 2024-05-10. Review status: criteria provided, single submitter. Criteria: ACMG Guidelines, 2015. Collection method: clinical testing. Allele origin: germline.

Natera, Inc.
Classification: Likely pathogenic for Isovaleryl-coa dehydrogenase deficiency. Last evaluated: 2024-03-27. Review status: criteria provided, single submitter. Criteria: Natera Variant Classification Schema (03/2026). Collection method: clinical testing. Allele origin: germline.
Comment: The c.608delC variant in IVD is a frameshift variant predicted to shift the reading frame beginning at codon 203 and leads to a stop codon 6 codons downstream. This variant is expected to result in nonsense mediated decay, truncation, or a dysfunctional protein product. This variant is rare in the general population with a frequency below the threshold expected for the associated phenotype(s). Given the available evidence, this variant is classified as Likely Pathogenic.

Baylor Genetics
Classification: Likely pathogenic for Isovaleryl-CoA dehydrogenase deficiency. Last evaluated: 2024-02-10. Review status: criteria provided, single submitter. Criteria: ACMG Guidelines, 2015. Collection method: clinical testing. Allele origin: unknown.

Labcorp Genetics (formerly Invitae), Labcorp
Classification: Pathogenic for Isovaleryl-CoA dehydrogenase deficiency. Last evaluated: 2023-12-03. Review status: criteria provided, single submitter. Criteria: Invitae Variant Classification Sherloc (09022015). Collection method: clinical testing. Allele origin: germline.
Comment: This sequence change creates a premature translational stop signal (p.Pro203Leufs*6) in the IVD gene. It is expected to result in an absent or disrupted protein product. Loss-of-function variants in IVD are known to be pathogenic (PMID: 16602101). This variant is present in population databases (no rsID available, gnomAD 0.006%). This variant has not been reported in the literature in individuals affected with IVD-related conditions. ClinVar contains an entry for this variant (Variation ID: 587624). Algorithms developed to predict the effect of sequence changes on RNA splicing suggest that this variant may disrupt the consensus splice site. For these reasons, this variant has been classified as Pathogenic.

Genomic Research Center, Shahid Beheshti University of Medical Sciences
Classification: Likely pathogenic for Isovaleryl-CoA dehydrogenase deficiency. Last evaluated: 2018-08-07. Review status: criteria provided, single submitter. Criteria: ACMG Guidelines, 2015. Collection method: clinical testing. Allele origin: inherited. Affected: yes. Observed: 1 variant allele.

Literature cited by the submitters: PubMed 16602101 (cited by Labcorp Genetics (formerly Invitae), Labcorp).

NM_002225.5(IVD):c.599del (p.Pro200fs)

Gene: IVD (isovaleryl-CoA dehydrogenase; plus strand). Cytogenetic location: 15q15.1.
Variant type: Deletion.
Coding change: c.599del on transcript NM_002225.5 (MANE Select); coding-DNA position 599, one base deleted (C; older notation c.599delC).
Protein change: p.Pro200fs; shifts the reading frame from proline 200.
Molecular consequence: frameshift variant. On other transcripts: non-coding transcript variant (1).
Genome position (GRCh38, 1-based): chr15:40,411,603, C deleted; the last of 3 consecutive C bases (chr15:40,411,601-40,411,603); deleting any one gives the same sequence. VCF-style (leftmost placement, unchanged base first): chr15-40411600-GC-G. GRCh37 (hg19) VCF-style: chr15-40703799-GC-G.
Other names: c.509del, p.Pro170fs (NM_001159508.3); c.551del, p.Pro184fs (NM_001354597.3); c.599del, p.Pro200fs (NM_001354598.3, NM_001354601.3); c.686del, p.Pro229fs (NM_001354599.3, NM_001354600.3); c.608del (NM_002225.3); short protein forms P184fs, P170fs, P229fs, P200fs.
Identifiers: ClinVar variation 587624 (VCV000587624.15), dbSNP rs1566936542, ClinGen allele CA617232637.
Genomic context (GRCh38, chr15:40,411,600, plus strand): 5'-ACATCCTGCCCTTAGGAAATCACTACATCCTGAATGGCAACAAGTTCTGGATCACTAATG[GC>G]CCTGATGCTGACGTCCTGATTGTCTATGCCAAGACAGATCTGGCTGCTGTGCCAGCTTCT-3'